The following is an entry in ClinVar:

ClinVar aggregate classification (germline): Conflicting classifications of pathogenicity. Review status: criteria provided, conflicting classifications (1 of 4 stars). 7 submissions from 7 submitters: Uncertain significance (4); Benign (1); Likely benign (2). Last evaluated 2026-05-28.

Conditions:
TTN-related disorder. Also called: TTN-related disorders; TTN-related condition; TTN-related disease.
Autosomal recessive limb-girdle muscular dystrophy type 2J (LGMDR10). Also called: Limb-girdle muscular dystrophy, type 2J; MUSCULAR DYSTROPHY, LIMB-GIRDLE, AUTOSOMAL RECESSIVE 10. Identifiers: Orphanet 140922, MedGen C1837342, MONDO:0012127, OMIM 608807.
Dilated cardiomyopathy 1G (CMD1G). Identifiers: Orphanet 154, MedGen C1858763, MONDO:0011400, OMIM 604145.
Cardiovascular phenotype. Identifiers: MedGen CN230736.
Cardiomyopathy (CMYO). Also called: Cardiomyopathies. Identifiers: Orphanet 167848, MedGen C0878544, MONDO:0004994, HP:0001638. Inheritance: Various modes of inheritance.

Allele frequency attached by ClinVar (database versions not stated): gnomAD exomes 0.00003 and 0.00011; ESP Exome Variant Server 0.00008; ExAC 0.00010; gnomAD 0.00016 and 0.00017; TOPMed 0.00024; 1000 Genomes Project 0.00060; 1000 Genomes Project 30x 0.00062.
gnomAD v4.1: 73 of 1,613,192 alleles (0.0045%); highest among the groups gnomAD compares: East Asian, 0.087%; no homozygotes.

Submissions (7):

PreventionGenetics, part of Exact Sciences
Classification: Uncertain significance for TTN-related condition. Last evaluated: 2026-05-28. Review status: criteria provided, single submitter. Criteria: ACMG Guidelines, 2015. Collection method: clinical testing. Allele origin: germline.
Comment: The TTN c.100049C>T variant is predicted to result in the amino acid substitution p.Thr33350Ile. This variant has been reported in an individual with dilated cardiomyopathy (Table S3, Mazzarotto et al. 2020. PubMed ID: 31983221). This variant is reported in 0.14% of alleles in individuals of East Asian descent in gnomAD. Although we suspect that this variant may be benign, at this time, the clinical significance of this variant is uncertain due to the absence of conclusive functional and genetic evidence.

GeneDx
Classification: Likely benign. Last evaluated: 2020-09-14. Review status: criteria provided, single submitter. Criteria: GeneDx Variant Classification Process June 2021. Collection method: clinical testing. Allele origin: germline. Affected: yes.
Comment: This variant is associated with the following publications: (PMID: 31983221, 26062443)

Ambry Genetics
Classification: Benign for Cardiovascular phenotype. Last evaluated: 2020-08-17. Review status: criteria provided, single submitter. Criteria: Ambry Variant Classification Scheme 2023. Collection method: clinical testing. Allele origin: germline.

Revvity Omics, Revvity
Classification: Uncertain significance. Last evaluated: 2020-01-04. Review status: criteria provided, single submitter. Criteria: ACMG Guidelines, 2015. Collection method: clinical testing. Allele origin: germline.

Center for Advanced Laboratory Medicine, UC San Diego Health, University of California San Diego
Classification: Likely benign for Cardiomyopathy. Last evaluated: 2018-02-11. Review status: criteria provided, single submitter. Criteria: ACMG Guidelines, 2015. Collection method: clinical testing. Allele origin: germline. Affected: yes. Observed: 2 variant alleles.

Labcorp Genetics (formerly Invitae), Labcorp
Classification: Uncertain significance for Dilated cardiomyopathy 1G; Autosomal recessive limb-girdle muscular dystrophy type 2J. Last evaluated: 2017-03-14. Review status: criteria provided, single submitter. Criteria: Invitae Variant Classification Sherloc (09022015). Collection method: clinical testing. Allele origin: germline.

Eurofins Ntd Llc (ga)
Classification: Uncertain significance. Last evaluated: 2017-02-07. Review status: criteria provided, single submitter. Criteria: EGL Classification Definitions 2015. Collection method: clinical testing. Allele origin: germline. Observed: 1 variant allele, 1 heterozygote.

NM_001267550.2(TTN):c.100049C>T (p.Thr33350Ile)

Genes: TTN (titin; minus strand), TTN-AS1 (TTN antisense RNA 1; plus strand), LOC126806420 (BRD4-independent group 4 enhancer GRCh37_chr2:179401104-179402303; plus strand). Cytogenetic location: 2q31.2.
Variant type: single nucleotide variant.
Coding change: c.100049C>T on transcript NM_001267550.2 (MANE Select); coding-DNA position 100049, C replaced by T.
Protein change: p.Thr33350Ile; replaces threonine 33350 with isoleucine.
Molecular consequence: missense variant.
Genome position (GRCh38, 1-based): chr2:178,537,060, G>A on the plus strand (C>T on the coding strand, the complement: TTN is on the minus strand). VCF-style: chr2-178537060-G-A. GRCh37 (hg19) VCF-style: chr2-179401787-G-A.
Other names: c.95126C>T, p.Thr31709Ile (NM_001256850.1); c.72854C>T, p.Thr24285Ile (NM_003319.4); c.92345C>T, p.Thr30782Ile (NM_133378.4); c.73229C>T, p.Thr24410Ile (NM_133432.3); c.73430C>T, p.Thr24477Ile (NM_133437.4); short protein forms T33350I, T30782I, T31709I, T24410I, T24477I, T24285I.
Identifiers: ClinVar variation 404664 (VCV000404664.24), dbSNP rs370300135, ClinGen allele CA1986085.